The following is an entry in ClinVar:

ClinVar aggregate classification (germline): Benign/Likely benign. Review status: criteria provided, multiple submitters, no conflicts (2 of 4 stars). 4 submissions from 4 submitters: Benign (1); Likely benign (3). Last evaluated 2026-07-13.

Conditions:
Hereditary cancer-predisposing syndrome. Also called: Hereditary neoplastic syndrome; Neoplastic Syndromes, Hereditary; Tumor predisposition; Hereditary Cancer Syndrome. Identifiers: Orphanet 140162, MedGen C0027672, MeSH D009386, MONDO:0015356.
Rhabdoid tumor predisposition syndrome 2 (RTPS2). Identifiers: Orphanet 231108, Orphanet 69077, MedGen C2750074, MONDO:0013224, OMIM 613325.

Allele frequency attached by ClinVar (database versions not stated): gnomAD exomes 0.00001 and below 0.00001; gnomAD 0.00003; TOPMed below 0.00001; ExAC 0.00001.
gnomAD v4.1: 17 of 1,613,982 alleles (0.0011%); highest among the groups gnomAD compares: African/African-American, 0.004%; no homozygotes.

Submissions (4):

Myriad Genetics, Inc.
Classification: Benign for Rhabdoid tumor predisposition syndrome 2. Last evaluated: 2026-07-13. Review status: criteria provided, single submitter. Criteria: Myriad Autosomal Dominant, Autosomal Recessive and X-Linked Classification Criteria (2023). Collection method: clinical testing. Allele origin: unknown.
Comment: This variant is considered benign. This variant is a silent/synonymous amino acid change and it is not expected to impact splicing.

Labcorp Genetics (formerly Invitae), Labcorp
Classification: Likely benign for Rhabdoid tumor predisposition syndrome 2. Last evaluated: 2025-11-09. Review status: criteria provided, single submitter. Criteria: Invitae Variant Classification Sherloc (09022015). Collection method: clinical testing. Allele origin: germline.

Sema4
Classification: Likely benign for Hereditary cancer-predisposing syndrome. Last evaluated: 2021-05-24. Review status: criteria provided, single submitter. Criteria: Sema4 Curation Guidelines. Collection method: curation. Allele origin: germline.

Ambry Genetics
Classification: Likely benign for Hereditary cancer-predisposing syndrome. Last evaluated: 2017-12-06. Review status: criteria provided, single submitter. Criteria: Ambry Variant Classification Scheme 2023. Collection method: clinical testing. Allele origin: germline.

NM_003072.5(SMARCA4):c.2142C>T (p.Val714=)

Gene: SMARCA4 (SWI/SNF related BAF chromatin remodeling complex subunit ATPase 4; plus strand). Cytogenetic location: 19p13.2.
Variant type: single nucleotide variant.
Coding change: c.2142C>T on transcript NM_003072.5 (MANE Select); coding-DNA position 2142, C replaced by T.
Protein change: p.Val714=; no amino-acid change (valine 714 retained).
Molecular consequence: synonymous variant. On other transcripts: non-coding transcript variant (1).
Genome position (GRCh38, 1-based): chr19:11,010,399, C>T. VCF-style: chr19-11010399-C-T. GRCh37 (hg19) VCF-style: chr19-11121075-C-T.
Other names: c.2142C>T, p.Val714= (NM_001128844.3, NM_001128845.2, NM_001128846.2 and 4 more transcripts).
Identifiers: ClinVar variation 762943 (VCV000762943.17), dbSNP rs748567373, ClinGen allele CA9204029.